The following is an entry in ClinVar:

NM_000081.4(LYST):c.9315+3A>G

Gene: LYST (lysosomal trafficking regulator; minus strand). Cytogenetic location: 1q42.3.
Variant type: single nucleotide variant.
Coding change: c.9315+3A>G on transcript NM_000081.4 (MANE Select); 3 bases into the intron after coding-DNA position 9315, A replaced by G.
Molecular consequence: intron variant.
Genome position (GRCh38, 1-based): chr1:235,724,025, T>C on the plus strand (A>G on the coding strand, the complement: LYST is on the minus strand). VCF-style: chr1-235724025-T-C. GRCh37 (hg19) VCF-style: chr1-235887325-T-C.
Other names: c.9315+3A>G (NM_001301365.1).
Identifiers: ClinVar variation 2071563 (VCV002071563.4), dbSNP rs2527473933, ClinGen allele CA2580062335.

ClinVar aggregate classification (germline): Uncertain significance (1 of 4 stars; one submission).

Conditions:
Chédiak-Higashi syndrome (CHS). Also called: Chediak-Higashi Syndrome. Identifiers: Orphanet 167, MedGen C0007965, MONDO:0008963, OMIM 214500.

Submission:

Labcorp Genetics (formerly Invitae), Labcorp
Classification: Uncertain significance for Chédiak-Higashi syndrome. Last evaluated: 2022-01-03. Review status: criteria provided, single submitter. Criteria: Invitae Variant Classification Sherloc (09022015). Collection method: clinical testing. Allele origin: germline.
Comment: This variant has not been reported in the literature in individuals affected with LYST-related conditions. In summary, the available evidence is currently insufficient to determine the role of this variant in disease. Therefore, it has been classified as a Variant of Uncertain Significance. Variants that disrupt the consensus splice site are a relatively common cause of aberrant splicing (PMID: 17576681, 9536098). Algorithms developed to predict the effect of sequence changes on RNA splicing suggest that this variant may disrupt the consensus splice site. This variant is not present in population databases (gnomAD no frequency). This sequence change falls in intron 39 of the LYST gene. It does not directly change the encoded amino acid sequence of the LYST protein. It affects a nucleotide within the consensus splice site.

Literature cited by the submitters: PubMed 17576681; PubMed 9536098.